The following is an entry in ClinVar:

NM_001199799.2(ILDR1):c.421G>C (p.Gly141Arg)

Gene: ILDR1 (immunoglobulin like domain containing receptor 1; minus strand). Cytogenetic location: 3q13.33.
Variant type: single nucleotide variant.
Coding change: c.421G>C on transcript NM_001199799.2 (MANE Select); coding-DNA position 421, G replaced by C.
Protein change: p.Gly141Arg; replaces glycine 141 with arginine.
Molecular consequence: missense variant. On other transcripts: intron variant (1).
Genome position (GRCh38, 1-based): chr3:122,001,823, C>G on the plus strand (G>C on the coding strand, the complement: ILDR1 is on the minus strand). VCF-style: chr3-122001823-C-G. GRCh37 (hg19) VCF-style: chr3-121720670-C-G.
Other names: c.421G>C, p.Gly141Arg (NM_175924.4); c.379+3421G>C (NM_001199800.2); short protein forms G141R.
Identifiers: ClinVar variation 1708922 (VCV001708922.10), dbSNP rs765136820, ClinGen allele CA2568925.
Genomic context (GRCh38, chr3:122,001,823, plus strand): 5'-CTTCCTTATCGGGGTCTCCTGATGTGTCCCCTGGAGCCTCAATGGTGCAGTAATACACTC[C>G]ATGGTCCCACCACATCACTTCATTTATCACGAGATCTGCTCCTACACAGTAAGGAGGGAG-3'
Protein context (NP_001186728.1, residues 131-151): VINEVMWWDH[Gly141Arg]VYYCTIEAPG

ClinVar aggregate classification (germline): Pathogenic/Likely pathogenic. Review status: criteria provided, multiple submitters, no conflicts (2 of 4 stars). 4 submissions from 4 submitters: Pathogenic (1); Likely pathogenic (3). Last evaluated 2026-03-22.

Conditions:
Autosomal recessive nonsyndromic hearing loss 42. Identifiers: Orphanet 90636, MedGen C1864818, MONDO:0012326, OMIM 609646.

Allele frequency attached by ClinVar (database versions not stated): gnomAD exomes 0.00002; gnomAD 0.00003; TOPMed 0.00005; ExAC 0.00007.
gnomAD v4.1: 28 of 1,613,538 alleles (0.0017%); highest among the groups gnomAD compares: East Asian, 0.062%; no homozygotes.

Submissions (4):

Department of Otolaryngology-Head and Neck Surgery, Shanghai Jiao Tong University Affiliated Sixth People’s Hospital
Classification: Likely pathogenic for Autosomal recessive nonsyndromic hearing loss 42. Last evaluated: 2026-03-22. Review status: criteria provided, single submitter. Criteria: ACMG Guidelines, 2015. Collection method: provider interpretation. Allele origin: germline. Inheritance: Autosomal recessive inheritance. Affected: yes. Observed: 1 variant allele, 1 compound heterozygote.
Comment: ClinVar contains an entry for this variant (Accession: VCV001708922.8).Our evidence is as follows: PM2_Supporting: The allele frequency of this variant in the East Asian population of the gnomAD database is 0.00062; in the Westlake BioBank for Chinese (WBBC) database, it is 0.000223. PP3: In silico prediction results indicate a deleterious effect: 20 out of 35 tools (via Aigenetics). REVEL score range: 0.644 ≤ REVEL < 0.773. PM3_Strong: This variant has been identified in the homozygous state in 3 hearing-impaired patients (PMID: 29849566). In this case, it is detected in compound heterozygosity with another pathogenic variant c.206C>A (PMID: 25668204). PP1: The mutation co-segregates with the disease phenotype in at least two previously reported families (PMID: 29849566) and in the current pedigree. According to the ACMG guidelines, this variant is classified as Likely Pathogenic.

Labcorp Genetics (formerly Invitae), Labcorp
Classification: Pathogenic. Last evaluated: 2025-05-02. Review status: criteria provided, single submitter. Criteria: Invitae Variant Classification Sherloc (09022015). Collection method: clinical testing. Allele origin: germline.
Comment: This sequence change replaces glycine, which is neutral and non-polar, with arginine, which is basic and polar, at codon 141 of the ILDR1 protein (p.Gly141Arg). This variant is present in population databases (rs765136820, gnomAD 0.1%). This missense change has been observed in individual(s) with deafness (PMID: 29178603, 29849566). In at least one individual the data is consistent with being in trans (on the opposite chromosome) from a pathogenic variant. It has also been observed to segregate with disease in related individuals. ClinVar contains an entry for this variant (Variation ID: 1708922). An algorithm developed to predict the effect of missense changes on protein structure and function (PolyPhen-2) suggests that this variant is likely to be disruptive. For these reasons, this variant has been classified as Pathogenic.

GeneDx
Classification: Likely pathogenic. Last evaluated: 2024-04-17. Review status: criteria provided, single submitter. Criteria: GeneDx Variant Classification Process June 2021. Collection method: clinical testing. Allele origin: germline. Affected: yes.
Comment: In silico analysis supports that this missense variant has a deleterious effect on protein structure/function; This variant is associated with the following publications: (PMID: 29849566, 29178603)

Juno Genomics, Hangzhou Juno Genomics, Inc
Classification: Likely pathogenic for Autosomal recessive nonsyndromic hearing loss 42. Review status: criteria provided, single submitter. Criteria: ACMG Guidelines, 2015. Collection method: clinical testing. Allele origin: germline.
Comment: Absent from controls (or at extremely low frequency if recessive) in Genome Aggregation Database.;Multiple lines of computational evidence support a deleterious effect on the gene or gene product.;For recessive disorders, detected in trans with a pathogenic variant.;Co-segregation with disease in multiple affected family members.

Literature cited by the submitters: PubMed 29849566 (cited by Department of Otolaryngology-Head and Neck Surgery, Shanghai Jiao Tong University Affiliated Sixth People’s Hospital and Labcorp Genetics (formerly Invitae), Labcorp); PubMed 25668204 (cited by Department of Otolaryngology-Head and Neck Surgery, Shanghai Jiao Tong University Affiliated Sixth People’s Hospital); PubMed 29178603 (cited by Labcorp Genetics (formerly Invitae), Labcorp).